The following is an entry in ClinVar:

ClinVar aggregate classification (germline): Likely benign. Review status: criteria provided, multiple submitters, no conflicts (2 of 4 stars). 3 submissions from 3 submitters: Likely benign (2). 1 of the submissions does not count toward it. Last evaluated 2024-09-01.

Conditions:
MED13-related disorder. Also called: MED13-related condition.
Inborn genetic diseases. Identifiers: MedGen C0950123, MeSH D030342.

Allele frequency attached by ClinVar (database versions not stated): gnomAD exomes 0.00010; ExAC 0.00027; 1000 Genomes Project 0.00080; 1000 Genomes Project 30x 0.00094; ESP Exome Variant Server 0.00099; gnomAD 0.00112; TOPMed 0.00128.
gnomAD v4.1: 329 of 1,614,256 alleles (0.02%); highest among the groups gnomAD compares: African/African-American, 0.38%; 2 homozygotes.

Submissions (3):

CeGaT Center for Human Genetics Tuebingen
Classification: Likely benign. Last evaluated: 2024-09-01. Review status: criteria provided, single submitter. Criteria: CeGaT Center For Human Genetics Tuebingen Variant Classification Criteria Version 2. Collection method: clinical testing. Allele origin: germline. Affected: yes. Observed: 1 variant allele.
Comment: MED13: BS1

Ambry Genetics
Classification: Likely benign for Inborn genetic diseases. Last evaluated: 2021-07-13. Review status: criteria provided, single submitter. Criteria: Ambry Variant Classification Scheme 2023. Collection method: clinical testing. Allele origin: germline.

PreventionGenetics, part of Exact Sciences
Classification: Likely benign for MED13-related condition. Last evaluated: 2023-12-05. Review status: no assertion criteria provided. Collection method: clinical testing. Allele origin: germline. Not counted in ClinVar's aggregate classification.
Comment: This variant is classified as likely benign based on ACMG/AMP sequence variant interpretation guidelines (Richards et al. 2015 PMID: 25741868, with internal and published modifications).

NM_005121.3(MED13):c.1658C>T (p.Ser553Leu)

Gene: MED13 (mediator complex subunit 13; minus strand). Cytogenetic location: 17q23.2.
Variant type: single nucleotide variant.
Coding change: c.1658C>T on transcript NM_005121.3 (MANE Select); coding-DNA position 1658, C replaced by T.
Protein change: p.Ser553Leu; replaces serine 553 with leucine.
Molecular consequence: missense variant.
Genome position (GRCh38, 1-based): chr17:62,010,859, G>A on the plus strand (C>T on the coding strand, the complement: MED13 is on the minus strand). VCF-style: chr17-62010859-G-A. GRCh37 (hg19) VCF-style: chr17-60088220-G-A.
Other names: short protein forms S553L.
Identifiers: ClinVar variation 2213654 (VCV002213654.18), dbSNP rs182448977, ClinGen allele CA8693009.